The following is an entry in ClinVar:

ClinVar aggregate classification (germline): Uncertain significance (1 of 4 stars; one submission).

Conditions:
Hyperaldosteronism, familial, type IV (HALD4). Also called: FH IV; ALDOSTERONISM, PRIMARY, AND HYPERTENSION. Identifiers: Orphanet 642671, MedGen C4310756, MONDO:0014875, OMIM 617027.
Idiopathic generalized epilepsy. Also called: EIG; Generalised epilepsy. Identifiers: MedGen C0270850, MONDO:0005579, OMIM 600669.

gnomAD v4.1: 1 of 1,612,124 alleles (0.000062%); highest among the groups gnomAD compares: Admixed American, 0.0017%; no homozygotes.

Submission:

Labcorp Genetics (formerly Invitae), Labcorp
Classification: Uncertain significance for Idiopathic generalized epilepsy; Hyperaldosteronism, familial, type IV. Last evaluated: 2022-07-19. Review status: criteria provided, single submitter. Criteria: Invitae Variant Classification Sherloc (09022015). Collection method: clinical testing. Allele origin: germline.
Comment: Algorithms developed to predict the effect of sequence changes on RNA splicing suggest that this variant may create or strengthen a splice site. This variant has not been reported in the literature in individuals affected with CACNA1H-related conditions. This variant is present in population databases (rs368350417, gnomAD 0.003%). This sequence change affects codon 117 of the CACNA1H mRNA. It is a 'silent' change, meaning that it does not change the encoded amino acid sequence of the CACNA1H protein. In summary, the available evidence is currently insufficient to determine the role of this variant in disease. Therefore, it has been classified as a Variant of Uncertain Significance.

NM_021098.3(CACNA1H):c.351G>A (p.Leu117=)

Gene: CACNA1H (calcium voltage-gated channel subunit alpha1 H; plus strand). Cytogenetic location: 16p13.3.
Variant type: single nucleotide variant.
Coding change: c.351G>A on transcript NM_021098.3 (MANE Select); coding-DNA position 351, G replaced by A.
Protein change: p.Leu117=; no amino-acid change (leucine 117 retained).
Molecular consequence: synonymous variant.
Genome position (GRCh38, 1-based): chr16:1,195,023, G>A. VCF-style: chr16-1195023-G-A. GRCh37 (hg19) VCF-style: chr16-1245023-G-A.
Other names: c.351G>A, p.Leu117= (NM_001005407.2).
Identifiers: ClinVar variation 1982751 (VCV001982751.4), dbSNP rs368350417, ClinGen allele CA7799369.